The following is an entry in ClinVar:

ClinVar aggregate classification (germline): Uncertain significance. Review status: criteria provided, multiple submitters, no conflicts (2 of 4 stars). 2 submissions from 2 submitters: Uncertain significance (2). Last evaluated 2025-12-09.

Conditions:
Brugada syndrome. Also called: Sudden unexpected nocturnal death syndrome; Sudden Unexplained Death Syndrome; Sudden Unexplained Nocturnal Death Syndrome (SUNDS); Sudden unexplained nocturnal death syndrome. Identifiers: Orphanet 130, MedGen C1142166, MONDO:0015263.
Cardiovascular phenotype. Identifiers: MedGen CN230736.

Allele frequency attached by ClinVar (database versions not stated): TOPMed below 0.00001; ExAC 0.00001; gnomAD 0.00001; gnomAD exomes 0.00001; 1000 Genomes Project 30x 0.00016; 1000 Genomes Project 0.00020.
gnomAD v4.1: 4 of 1,614,124 alleles (0.00025%); highest among the groups gnomAD compares: Admixed American, 0.005%; no homozygotes.

Submissions (2):

Labcorp Genetics (formerly Invitae), Labcorp
Classification: Uncertain significance for Brugada syndrome. Last evaluated: 2025-12-09. Review status: criteria provided, single submitter. Criteria: Invitae Variant Classification Sherloc (09022015). Collection method: clinical testing. Allele origin: germline.
Comment: This sequence change replaces alanine, which is neutral and non-polar, with valine, which is neutral and non-polar, at codon 1755 of the SCN10A protein (p.Ala1755Val). This variant is present in population databases (rs552795944, gnomAD 0.006%). This variant has not been reported in the literature in individuals affected with SCN10A-related conditions. ClinVar contains an entry for this variant (Variation ID: 3158500). Invitae Evidence Modeling of protein sequence and biophysical properties (such as structural, functional, and spatial information, amino acid conservation, physicochemical variation, residue mobility, and thermodynamic stability) indicates that this missense variant is expected to disrupt SCN10A protein function with a positive predictive value of 80%. In summary, the available evidence is currently insufficient to determine the role of this variant in disease. Therefore, it has been classified as a Variant of Uncertain Significance.

Ambry Genetics
Classification: Uncertain significance for Cardiovascular phenotype. Last evaluated: 2025-12-08. Review status: criteria provided, single submitter. Criteria: Ambry Variant Classification Scheme 2023. Collection method: clinical testing. Allele origin: germline.
Comment: Does not currently meet published gene-disease clinical validity criteria Based on insufficient or conflicting evidence, the clinical significance of this alteration remains unclear.

Literature cited by the submitters: PubMed 28106320 (cited by Ambry Genetics).

NM_006514.4(SCN10A):c.5264C>T (p.Ala1755Val)

Gene: SCN10A (sodium voltage-gated channel alpha subunit 10; minus strand). Cytogenetic location: 3p22.2.
Variant type: single nucleotide variant.
Coding change: c.5264C>T on transcript NM_006514.4 (MANE Select); coding-DNA position 5264, C replaced by T.
Protein change: p.Ala1755Val; replaces alanine 1755 with valine.
Molecular consequence: missense variant.
Genome position (GRCh38, 1-based): chr3:38,697,956, G>A on the plus strand (C>T on the coding strand, the complement: SCN10A is on the minus strand). VCF-style: chr3-38697956-G-A. GRCh37 (hg19) VCF-style: chr3-38739447-G-A.
Other names: c.5261C>T, p.Ala1754Val (NM_001293306.2); c.4970C>T, p.Ala1657Val (NM_001293307.2); short protein forms A1755V, A1657V, A1754V.
Identifiers: ClinVar variation 3158500 (VCV003158500.3), dbSNP rs552795944, ClinGen allele CA2319709.